The following is an entry in ClinVar:

NM_182914.3(SYNE2):c.20050A>G (p.Met6684Val)

Gene: SYNE2 (spectrin repeat containing nuclear envelope protein 2; plus strand). Cytogenetic location: 14q23.2.
Variant type: single nucleotide variant.
Coding change: c.20050A>G on transcript NM_182914.3 (MANE Select); coding-DNA position 20050, A replaced by G.
Protein change: p.Met6684Val; replaces methionine 6684 with valine.
Molecular consequence: missense variant.
Genome position (GRCh38, 1-based): chr14:64,220,626, A>G. VCF-style: chr14-64220626-A-G. GRCh37 (hg19) VCF-style: chr14-64687344-A-G.
Other names: c.19981A>G, p.Met6661Val (NM_015180.6); c.574A>G, p.Met192Val (NM_182910.2); c.952A>G, p.Met318Val (NM_182913.4); short protein forms M6684V, M192V, M6661V, M318V.
Identifiers: ClinVar variation 1478451 (VCV001478451.8), dbSNP rs1489141038, ClinGen allele CA389970295.

ClinVar aggregate classification (germline): Uncertain significance (1 of 4 stars; one submission).

Conditions:
Emery-Dreifuss muscular dystrophy 5, autosomal dominant (EDMD5). Also called: EMERY-DREIFUSS MUSCULAR DYSTROPHY 5. Identifiers: Orphanet 261, MedGen C2751805, MONDO:0013072, OMIM 612999.

Allele frequency attached by ClinVar (database versions not stated): TOPMed 0.00001; gnomAD 0.00003.
gnomAD v4.1: 5 of 1,613,816 alleles (0.00031%); highest among the groups gnomAD compares: African/African-American, 0.0053%; no homozygotes.

Submission:

Labcorp Genetics (formerly Invitae), Labcorp
Classification: Uncertain significance for Emery-Dreifuss muscular dystrophy 5, autosomal dominant. Last evaluated: 2020-11-21. Review status: criteria provided, single submitter. Criteria: Invitae Variant Classification Sherloc (09022015). Collection method: clinical testing. Allele origin: germline.
Comment: This sequence change replaces methionine with valine at codon 6684 of the SYNE2 protein (p.Met6684Val). The methionine residue is weakly conserved and there is a small physicochemical difference between methionine and valine. This variant is not present in population databases (ExAC no frequency). This variant has not been reported in the literature in individuals with SYNE2-related conditions. Algorithms developed to predict the effect of missense changes on protein structure and function (SIFT, PolyPhen-2, Align-GVGD) all suggest that this variant is likely to be tolerated, but these predictions have not been confirmed by published functional studies and their clinical significance is uncertain. In summary, the available evidence is currently insufficient to determine the role of this variant in disease. Therefore, it has been classified as a Variant of Uncertain Significance.